The following is an entry in ClinVar:

ClinVar aggregate classification (germline): Benign/Likely benign. Review status: criteria provided, multiple submitters, no conflicts (2 of 4 stars). 2 submissions from 2 submitters: Benign (1); Likely benign (1). Last evaluated 2024-06-27.

Conditions:
Hereditary cancer-predisposing syndrome. Also called: Neoplastic Syndromes, Hereditary; Tumor predisposition; Hereditary Cancer Syndrome; Hereditary neoplastic syndrome. Identifiers: Orphanet 140162, MedGen C0027672, MeSH D009386, MONDO:0015356.
Oligodontia-cancer predisposition syndrome. Also called: TOOTH AGENESIS-COLORECTAL CANCER SYNDROME. Identifiers: Orphanet 300576, MedGen C1837750, MONDO:0012075, OMIM 608615. Disease mechanism: loss of function.

Allele frequency attached by ClinVar (database versions not stated): gnomAD 0.00001.
gnomAD v4.1: 1 of 1,614,088 alleles (0.000062%); highest among the groups gnomAD compares: African/African-American, 0.0013%; no homozygotes.

Submissions (2):

Myriad Genetics, Inc.
Classification: Benign for Oligodontia-cancer predisposition syndrome. Last evaluated: 2024-06-27. Review status: criteria provided, single submitter. Criteria: Myriad Autosomal Dominant, Autosomal Recessive and X-Linked Classification Criteria (2023). Collection method: clinical testing. Allele origin: unknown.
Comment: This variant is considered benign. This variant is a silent/synonymous amino acid change and it is not expected to impact splicing.

Ambry Genetics
Classification: Likely benign for Hereditary cancer-predisposing syndrome. Last evaluated: 2022-05-19. Review status: criteria provided, single submitter. Criteria: Ambry Variant Classification Scheme 2023. Collection method: clinical testing. Allele origin: germline.

NM_004655.4(AXIN2):c.663G>A (p.Val221=)

Gene: AXIN2 (axin 2; minus strand). Cytogenetic location: 17q24.1.
Variant type: single nucleotide variant.
Coding change: c.663G>A on transcript NM_004655.4 (MANE Select); coding-DNA position 663, G replaced by A.
Protein change: p.Val221=; no amino-acid change (valine 221 retained).
Molecular consequence: synonymous variant.
Genome position (GRCh38, 1-based): chr17:65,557,958, C>T on the plus strand (G>A on the coding strand, the complement: AXIN2 is on the minus strand). VCF-style: chr17-65557958-C-T. GRCh37 (hg19) VCF-style: chr17-63554076-C-T.
Other names: c.663G>A, p.Val221= (NM_001363813.1).
Identifiers: ClinVar variation 1754632 (VCV001754632.3), dbSNP rs2044295743, ClinGen allele CA501691431.